The following is an entry in ClinVar:

NM_175737.4(KLB):c.2443A>G (p.Lys815Glu)

Genes: KLB (klotho beta; plus strand), LOC129992452 (ATAC-STARR-seq lymphoblastoid active region 21458; plus strand). Cytogenetic location: 4p14.
Variant type: single nucleotide variant.
Coding change: c.2443A>G on transcript NM_175737.4 (MANE Select); coding-DNA position 2443, A replaced by G.
Protein change: p.Lys815Glu; replaces lysine 815 with glutamic acid.
Molecular consequence: missense variant.
Genome position (GRCh38, 1-based): chr4:39,447,169, A>G. VCF-style: chr4-39447169-A-G. GRCh37 (hg19) VCF-style: chr4-39448789-A-G.
Other names: short protein forms K815E.
Identifiers: ClinVar variation 1438209 (VCV001438209.9), dbSNP rs145447046, ClinGen allele CA2894008.

ClinVar aggregate classification (germline): Uncertain significance. Review status: criteria provided, multiple submitters, no conflicts (2 of 4 stars). 2 submissions from 2 submitters: Uncertain significance (2). Last evaluated 2025-12-19.

Allele frequency attached by ClinVar (database versions not stated): 1000 Genomes Project 30x 0.00062; ESP Exome Variant Server 0.00077; 1000 Genomes Project 0.00080; ExAC 0.00081; gnomAD exomes 0.00101; gnomAD 0.00116 and 0.00120; TOPMed 0.00127.
gnomAD v4.1: 1,984 of 1,613,824 alleles (0.12%); highest among the groups gnomAD compares: Admixed American, 0.19%; 4 homozygotes.

Submissions (2):

Labcorp Genetics (formerly Invitae), Labcorp
Classification: Uncertain significance. Last evaluated: 2025-12-19. Review status: criteria provided, single submitter. Criteria: Invitae Variant Classification Sherloc (09022015). Collection method: clinical testing. Allele origin: germline.
Comment: This sequence change replaces lysine, which is basic and polar, with glutamic acid, which is acidic and polar, at codon 815 of the KLB protein (p.Lys815Glu). This variant is present in population databases (rs145447046, gnomAD 0.2%), and has an allele count higher than expected for a pathogenic variant. This missense change has been observed in individual(s) with congenital hypogonadotropic hypogonadism (PMID: 28754744). ClinVar contains an entry for this variant (Variation ID: 1438209). Invitae Evidence Modeling of protein sequence and biophysical properties (such as structural, functional, and spatial information, amino acid conservation, physicochemical variation, residue mobility, and thermodynamic stability) indicates that this missense variant is not expected to disrupt KLB protein function with a negative predictive value of 80%. Experimental studies have shown that this missense change affects KLB function (PMID: 28754744). In summary, the available evidence is currently insufficient to determine the role of this variant in disease. Therefore, it has been classified as a Variant of Uncertain Significance.

Breakthrough Genomics
Classification: Uncertain significance. Review status: criteria provided, single submitter. Criteria: ACMG Guidelines, 2015. Collection method: not provided. Allele origin: germline. Inheritance: Unknown mechanism. Affected: yes.

Literature cited by the submitters: PubMed 28754744 (cited by Labcorp Genetics (formerly Invitae), Labcorp).